The following is an entry in ClinVar:

ClinVar aggregate classification (germline): Benign. Review status: criteria provided, multiple submitters, no conflicts (2 of 4 stars). 3 submissions from 3 submitters: Benign (3). Last evaluated 2026-02-02.

Allele frequency attached by ClinVar (database versions not stated): 1000 Genomes Project 30x 0.00703; 1000 Genomes Project 0.00779; TOPMed 0.01084; ESP Exome Variant Server 0.01102; ExAC 0.01152; gnomAD 0.01155 and 0.01189; gnomAD exomes 0.01179 and 0.01291.
gnomAD v4.1: 20,551 of 1,612,982 alleles (1.3%); highest among the groups gnomAD compares: Middle Eastern, 1.5%; 190 homozygotes.

Submissions (3):

Labcorp Genetics (formerly Invitae), Labcorp
Classification: Benign. Last evaluated: 2026-02-02. Review status: criteria provided, single submitter. Criteria: Invitae Variant Classification Sherloc (09022015). Collection method: clinical testing. Allele origin: germline.

CeGaT Center for Human Genetics Tuebingen
Classification: Benign. Last evaluated: 2025-07-01. Review status: criteria provided, single submitter. Criteria: CeGaT Center For Human Genetics Tuebingen Variant Classification Criteria Version 2. Collection method: clinical testing. Allele origin: germline. Affected: yes. Observed: 2 variant alleles.
Comment: SPPL2A: BP4, BS1, BS2

Breakthrough Genomics
Classification: Benign. Review status: criteria provided, single submitter. Criteria: ACMG Guidelines, 2015. Collection method: not provided. Allele origin: germline. Inheritance: Autosomal recessive inheritance. Affected: yes.

NM_032802.4(SPPL2A):c.1090-4T>G

Gene: SPPL2A (signal peptide peptidase like 2A; minus strand). Cytogenetic location: 15q21.2.
Variant type: single nucleotide variant.
Coding change: c.1090-4T>G on transcript NM_032802.4 (MANE Select); 4 bases into the intron before coding-DNA position 1090, T replaced by G.
Molecular consequence: intron variant.
Genome position (GRCh38, 1-based): chr15:50,726,381, A>C on the plus strand (T>G on the coding strand, the complement: SPPL2A is on the minus strand). VCF-style: chr15-50726381-A-C. GRCh37 (hg19) VCF-style: chr15-51018578-A-C.
Identifiers: ClinVar variation 1168995 (VCV001168995.17), dbSNP rs118053549, ClinGen allele CA7558312.